The following is an entry in ClinVar:

ClinVar aggregate classification (germline): Benign/Likely benign. Review status: criteria provided, multiple submitters, no conflicts (2 of 4 stars). 4 submissions from 4 submitters: Benign (1); Likely benign (3). Last evaluated 2025-04-06.

Conditions:
Hereditary cancer-predisposing syndrome. Also called: Tumor predisposition; Neoplastic Syndromes, Hereditary; Hereditary neoplastic syndrome; Hereditary Cancer Syndrome. Identifiers: Orphanet 140162, MedGen C0027672, MeSH D009386, MONDO:0015356.
Breast-ovarian cancer, familial, susceptibility to, 4. Identifiers: Orphanet 145, MedGen C3280345, MONDO:0013669, OMIM 614291.

Submissions (4):

Ambry Genetics
Classification: Likely benign for Hereditary cancer-predisposing syndrome. Last evaluated: 2025-04-06. Review status: criteria provided, single submitter. Criteria: Ambry Variant Classification Scheme 2023. Collection method: clinical testing. Allele origin: germline.

Myriad Genetics, Inc.
Classification: Benign for Breast-ovarian cancer, familial, susceptibility to, 4. Last evaluated: 2025-02-24. Review status: criteria provided, single submitter. Criteria: Myriad Autosomal Dominant, Autosomal Recessive and X-Linked Classification Criteria (2023). Collection method: clinical testing. Allele origin: unknown.
Comment: This variant is considered benign. This variant is a silent/synonymous amino acid change and it is not expected to impact splicing.

Labcorp Genetics (formerly Invitae), Labcorp
Classification: Likely benign for Breast-ovarian cancer, familial, susceptibility to, 4. Last evaluated: 2022-01-17. Review status: criteria provided, single submitter. Criteria: Invitae Variant Classification Sherloc (09022015). Collection method: clinical testing. Allele origin: germline.

Color Diagnostics, LLC DBA Color Health
Classification: Likely benign for Hereditary cancer-predisposing syndrome. Last evaluated: 2017-12-05. Review status: criteria provided, single submitter. Criteria: ACMG Guidelines, 2015. Collection method: clinical testing. Allele origin: germline.

NM_002878.4(RAD51D):c.675C>T (p.Ala225=)

Genes: RAD51D (RAD51 paralog D; minus strand), RAD51L3-RFFL (RAD51L3-RFFL readthrough; minus strand). Cytogenetic location: 17q12.
Variant type: single nucleotide variant.
Coding change: c.675C>T on transcript NM_002878.4 (MANE Select); coding-DNA position 675, C replaced by T.
Protein change: p.Ala225=; no amino-acid change (alanine 225 retained).
Molecular consequence: synonymous variant. On other transcripts: non-coding transcript variant (3).
Genome position (GRCh38, 1-based): chr17:35,103,317, G>A on the plus strand (C>T on the coding strand, the complement: RAD51D is on the minus strand). VCF-style: chr17-35103317-G-A. GRCh37 (hg19) VCF-style: chr17-33430336-G-A.
Other names: c.735C>T, p.Ala245= (NM_001142571.2); c.339C>T, p.Ala113= (NM_133629.3).
Identifiers: ClinVar variation 630961 (VCV000630961.12), dbSNP rs760789270, ClinGen allele CA499730581.